The following is an entry in ClinVar:

NR_110312.2(FRMD1):n.139G>A

Gene: FRMD1 (FERM domain containing 1; minus strand). Cytogenetic location: 6q27.
Variant type: single nucleotide variant.
Molecular consequence: non-coding transcript variant (on NR_110312.2).
Genome position: GRCh38 VCF-style: chr6-168081419-C-T. GRCh37 (hg19) VCF-style: chr6-168482099-C-T.
Identifiers: ClinVar variation 2657139 (VCV002657139.24), dbSNP rs538377388, ClinGen allele CA4101676.
Genomic context (GRCh38, chr6:168,081,419, plus strand): 5'-TTCTCGACTGGCCTGTTCGTGATGGAAGAGGCTGGCCTGCCACGTTCGTGATGTCAGGGC[C>T]GGGCAGTGGACGGGCAGAGGCCGCGAGGAAGAGGAGACCACCGCCCAGATCTCCTCATGG-3'

ClinVar aggregate classification (germline): Likely benign (1 of 4 stars; one submission).

Allele frequency attached by ClinVar (database versions not stated): TOPMed 0.00040; 1000 Genomes Project 30x 0.00219; 1000 Genomes Project 0.00220; ExAC 0.00643.
gnomAD v4.1: 1,227 of 1,535,508 alleles (0.08%); highest among the groups gnomAD compares: South Asian, 0.78%; 14 homozygotes.

Submission:

CeGaT Center for Human Genetics Tuebingen
Classification: Likely benign. Last evaluated: 2022-10-01. Review status: criteria provided, single submitter. Criteria: CeGaT Center For Human Genetics Tuebingen Variant Classification Criteria Version 2. Collection method: clinical testing. Allele origin: germline. Affected: yes. Observed: 2 variant alleles.
Comment: FRMD1: BP4, BP7